The following is an entry in ClinVar:

NM_002524.5(NRAS):c.112-3del

Gene: NRAS (NRAS proto-oncogene, GTPase; minus strand). Cytogenetic location: 1p13.2.
Variant type: Deletion.
Coding change: c.112-3del on transcript NM_002524.5 (MANE Select); 3 bases into the intron before coding-DNA position 112, one base deleted (C; older notation c.112-3delC).
Molecular consequence: intron variant.
Genome position (GRCh38, 1-based): chr1:114,713,981, G deleted on the plus strand (C on the coding strand, the reverse complement: NRAS is on the minus strand); the first of 5 consecutive G bases (chr1:114,713,981-114,713,985); deleting any one gives the same sequence. VCF-style (leftmost placement, unchanged base first): chr1-114713980-TG-T. GRCh37 (hg19) VCF-style: chr1-115256601-TG-T.
Other names: c.112-3del (LRG_92t1); c.112-3delC (NM_002524.3).
Identifiers: ClinVar variation 419940 (VCV000419940.2), dbSNP rs1064794197, ClinGen allele CA16616958.

ClinVar aggregate classification (germline): Benign/Likely benign. Review status: criteria provided, multiple submitters, no conflicts (2 of 4 stars). 2 submissions from 2 submitters: Benign (1); Likely benign (1). Last evaluated 2025-06-17.

Conditions:
RASopathy. Also called: Noonan spectrum disorder; rasopathies. Identifiers: Orphanet 536391, MedGen C5555857, MONDO:0021060.

Submissions (2):

Labcorp Genetics (formerly Invitae), Labcorp
Classification: Benign for RASopathy. Last evaluated: 2025-06-17. Review status: criteria provided, single submitter. Criteria: Invitae Variant Classification Sherloc (09022015). Collection method: clinical testing. Allele origin: germline.

GeneDx
Classification: Likely benign. Last evaluated: 2015-10-30. Review status: criteria provided, single submitter. Criteria: GeneDx Variant Classification (06012015). Collection method: clinical testing. Allele origin: germline. Affected: yes.
Comment: This variant is considered likely benign or benign based on one or more of the following criteria: it is a conservative change, it occurs at a poorly conserved position in the protein, it is predicted to be benign by multiple in silico algorithms, and/or has population frequency not consistent with disease.